The following is an entry in ClinVar:

NM_014946.4(SPAST):c.1613C>A (p.Ala538Asp)

Gene: SPAST (spastin; plus strand). Cytogenetic location: 2p22.3.
Variant type: single nucleotide variant.
Coding change: c.1613C>A on transcript NM_014946.4 (MANE Select); coding-DNA position 1613, C replaced by A.
Protein change: p.Ala538Asp; replaces alanine 538 with aspartic acid.
Molecular consequence: missense variant.
Genome position (GRCh38, 1-based): chr2:32,143,412, C>A. VCF-style: chr2-32143412-C-A. GRCh37 (hg19) VCF-style: chr2-32368481-C-A.
Other names: c.1610C>A, p.Ala537Asp (NM_001363823.2); c.1514C>A, p.Ala505Asp (NM_001363875.2); c.1517C>A, p.Ala506Asp (NM_001377959.1, NM_199436.2); short protein forms A505D, A506D, A537D, A538D.
Identifiers: ClinVar variation 1805991 (VCV001805991.1), dbSNP rs374638287, ClinGen allele CA44755000.
Genomic context (GRCh38, chr2:32,143,412, plus strand): 5'-TTAAAAATCTGTTATGTAAACAAGGAAGTCCATTGACCCAAAAAGAACTAGCACAACTTG[C>A]TAGGTGAGTAATTTGGATTTGGTTTATCTTACAGCTTTTATTTATTTTTTGTAAATAATT-3'
Protein context (NP_055761.2, residues 528-548): PLTQKELAQL[Ala538Asp]RMTDGYSGSD

ClinVar aggregate classification (germline): Uncertain significance (1 of 4 stars; one submission).

Conditions:
Hereditary spastic paraplegia 4. Also called: Familial spastic paraplegia autosomal dominant 2; Spastic paraplegia 4, autosomal dominant; Spastic Paraplegia 4. Identifiers: Orphanet 100985, MedGen C1866855, MONDO:0008438, OMIM 182601.

Allele frequency attached by ClinVar (database versions not stated): TOPMed below 0.00001; ESP Exome Variant Server 0.00008.

Submission:

Victorian Clinical Genetics Services, Murdoch Childrens Research Institute
Classification: Uncertain significance for Hereditary spastic paraplegia 4. Last evaluated: 2022-09-02. Review status: criteria provided, single submitter. Criteria: ACMG Guidelines, 2015. Collection method: clinical testing. Allele origin: germline. Inheritance: Autosomal dominant inheritance. Affected: yes.
Comment: Based on the classification scheme VCGS_Germline_v1.3.4, this variant is classified as VUS-3A. Following criteria are met: 0103 - Dominant negative and loss of function are known mechanisms of disease for this gene and are associated with spastic paraplegia 4 (MIM#182601). Multiple loss of function variants have been reported, while a dominant negative mechanism has been stipulated for a small number of missense variants (ClinVar; PMID: 30006150). (I) . (I) 0107 - This gene is associated with autosomal dominant disease. (I) 0112 - The condition associated with this gene has incomplete penetrance, but this is age-dependent and only a small proportion of individuals remain asymptomatic (PMID: 30476002). (I) 0115 - Variants in this gene are known to have variable expressivity, with variable age of onset and disease severity (PMID: 30476002). (I) 0200 - Variant is predicted to result in a missense amino acid change from alanine to aspartic acid. (I) 0251 - This variant is heterozygous. (I) 0301 - Variant is absent from gnomAD (both v2 and v3). (SP) 0501 - Missense variant consistently predicted to be damaging by multiple in silico tools or highly conserved with a major amino acid change. (SP) 0603 - Missense variant in a region that is highly intolerant to missense variation (high constraint region in DECIPHER). (SP) 0705 - No comparable missense variants have previous evidence for pathogenicity. (I) 0807 - This variant has no previous evidence of pathogenicity. (I) 0905 - No published segregation evidence has been identified for this variant. (I) 1007 - No published functional evidence has been identified for this variant. (I) 1208 - Inheritance information for this variant is not currently available in this individual. (I) Legend: (SP) - Supporting pathogenic, (I) - Information, (SB) - Supporting benign

Literature cited by the submitters: PubMed 30006150; PubMed 30476002.